The following is an entry in ClinVar:

ClinVar aggregate classification (germline): Conflicting classifications of pathogenicity. Review status: criteria provided, conflicting classifications (1 of 4 stars). 4 submissions from 4 submitters: Uncertain significance (1); Likely benign (2). 1 of the submissions does not count toward it. Last evaluated 2026-02-12.

Conditions:
AARS2-related disorder. Also called: AARS2-related condition; AARS2-related disorders. Identifiers: MedGen CN381518, MONDO:1060240.

Allele frequency attached by ClinVar (database versions not stated): gnomAD exomes 0.00009 and 0.00035; 1000 Genomes Project 30x 0.00016; 1000 Genomes Project 0.00020; ExAC 0.00033; gnomAD 0.00056 and 0.00059; TOPMed 0.00065.
gnomAD v4.1: 231 of 1,614,124 alleles (0.014%); highest among the groups gnomAD compares: Admixed American, 0.18%; no homozygotes.

Submissions (4):

GeneDx
Classification: Uncertain significance. Last evaluated: 2026-02-12. Review status: criteria provided, single submitter. Criteria: GeneDx Variant Classification Process June 2021. Collection method: clinical testing. Allele origin: germline. Affected: yes.
Comment: In silico analysis suggests that this missense variant does not alter protein structure/function; Has not been previously published as pathogenic or benign to our knowledge

Labcorp Genetics (formerly Invitae), Labcorp
Classification: Likely benign. Last evaluated: 2025-12-25. Review status: criteria provided, single submitter. Criteria: Invitae Variant Classification Sherloc (09022015). Collection method: clinical testing. Allele origin: germline.

Blueprint Genetics
Classification: Likely benign. Last evaluated: 2023-11-13. Review status: criteria provided, single submitter. Criteria: ACMG Guidelines, 2015. Collection method: clinical testing. Allele origin: germline.

PreventionGenetics, part of Exact Sciences
Classification: Likely benign for AARS2-related condition. Last evaluated: 2023-01-05. Review status: no assertion criteria provided. Collection method: clinical testing. Allele origin: germline. Not counted in ClinVar's aggregate classification.
Comment: This variant is classified as likely benign based on ACMG/AMP sequence variant interpretation guidelines (Richards et al. 2015 PMID: 25741868, with internal and published modifications).

NM_020745.4(AARS2):c.1195A>C (p.Asn399His)

Gene: AARS2 (alanyl-tRNA synthetase 2, mitochondrial; minus strand). Cytogenetic location: 6p21.1.
Variant type: single nucleotide variant.
Coding change: c.1195A>C on transcript NM_020745.4 (MANE Select); coding-DNA position 1195, A replaced by C.
Protein change: p.Asn399His; replaces asparagine 399 with histidine.
Molecular consequence: missense variant.
Genome position (GRCh38, 1-based): chr6:44,306,385, T>G on the plus strand (A>C on the coding strand, the complement: AARS2 is on the minus strand). VCF-style: chr6-44306385-T-G. GRCh37 (hg19) VCF-style: chr6-44274122-T-G.
Other names: c.1195A>C (NM_020745.3); short protein forms N399H.
Identifiers: ClinVar variation 264995 (VCV000264995.14), dbSNP rs148363748, ClinGen allele CA3834398.
Genomic context (GRCh38, chr6:44,306,385, plus strand): 5'-TGATCCGCCTACCCCGCTCCAGGGAGGCCAGGAAGGCTGCCTCGTCCTCTGACACCAGGT[T>G]GGCGATCTGAACCAGGCAGAGAAGAAGTGGAGCTGGGTCTCCTTGGAAGGAGGGTCTCTC-3'
Protein context (NP_065796.2, residues 389-409): ELQRNSAQIA[Asn399His]LVSEDEAAFL